The following is an entry in ClinVar:

NM_000048.4(ASL):c.1020T>G (p.Ser340Arg)

Gene: ASL (argininosuccinate lyase; plus strand). Cytogenetic location: 7q11.21.
Variant type: single nucleotide variant.
Coding change: c.1020T>G on transcript NM_000048.4 (MANE Select); coding-DNA position 1020, T replaced by G.
Protein change: p.Ser340Arg; replaces serine 340 with arginine.
Molecular consequence: missense variant.
Genome position (GRCh38, 1-based): chr7:66,089,653, T>G. VCF-style: chr7-66089653-T-G. GRCh37 (hg19) VCF-style: chr7-65554640-T-G.
Other names: c.1020T>G (NM_000048.3); c.960T>G, p.Ser320Arg (NM_001024944.2); c.942T>G, p.Ser314Arg (NM_001024946.2); c.1020T>G, p.Ser340Arg (NM_001024943.2); short protein forms S314R, S320R, S340R.
Identifiers: ClinVar variation 998863 (VCV000998863.6), dbSNP rs771476376, ClinGen allele CA4277246.

ClinVar aggregate classification (germline): Uncertain significance. Review status: criteria provided, multiple submitters, no conflicts (2 of 4 stars). 3 submissions from 3 submitters: Uncertain significance (2). 1 of the submissions does not count toward it. Last evaluated 2025-04-10.

Conditions:
Argininosuccinate lyase deficiency. Also called: Argininosuccinic aciduria; ARGININOSUCCINIC ACID LYASE DEFICIENCY; ASL DEFICIENCY. Identifiers: Orphanet 23, MedGen C0268547, MONDO:0008815, OMIM 207900, HP:0025630.
Inborn genetic diseases. Identifiers: MedGen C0950123, MeSH D030342.

Allele frequency attached by ClinVar (database versions not stated): ExAC 0.00001; gnomAD 0.00001; gnomAD exomes 0.00001 and 0.00002; TOPMed 0.00002.
gnomAD v4.1: 9 of 1,613,680 alleles (0.00056%); highest among the groups gnomAD compares: Admixed American, 0.015%; no homozygotes.

Submissions (3):

Ambry Genetics
Classification: Uncertain significance for Inborn genetic diseases. Last evaluated: 2025-04-10. Review status: criteria provided, single submitter. Criteria: Ambry Variant Classification Scheme 2023. Collection method: clinical testing. Allele origin: germline.

Labcorp Genetics (formerly Invitae), Labcorp
Classification: Uncertain significance for Argininosuccinate lyase deficiency. Last evaluated: 2021-09-02. Review status: criteria provided, single submitter. Criteria: Invitae Variant Classification Sherloc (09022015). Collection method: clinical testing. Allele origin: germline.
Comment: This sequence change replaces serine with arginine at codon 340 of the ASL protein (p.Ser340Arg). The serine residue is weakly conserved and there is a moderate physicochemical difference between serine and arginine. This variant is present in population databases (rs771476376, ExAC 0.009%). This variant has not been reported in the literature in individuals affected with ASL-related conditions. Algorithms developed to predict the effect of missense changes on protein structure and function (SIFT, PolyPhen-2, Align-GVGD) all suggest that this variant is likely to be tolerated. In summary, the available evidence is currently insufficient to determine the role of this variant in disease. Therefore, it has been classified as a Variant of Uncertain Significance.

Natera, Inc.
Classification: Uncertain significance for Argininosuccinate lyase deficiency. Last evaluated: 2020-03-10. Review status: no assertion criteria provided. Collection method: clinical testing. Allele origin: germline. Not counted in ClinVar's aggregate classification.